The following is an entry in ClinVar:

ClinVar aggregate classification (germline): Uncertain significance (1 of 4 stars; one submission).

Submission:

Labcorp Genetics (formerly Invitae), Labcorp
Classification: Uncertain significance. Last evaluated: 2024-10-23. Review status: criteria provided, single submitter. Criteria: Invitae Variant Classification Sherloc (09022015). Collection method: clinical testing. Allele origin: germline.
Comment: This sequence change replaces tyrosine, which is neutral and polar, with serine, which is neutral and polar, at codon 1952 of the CACNA1F protein (p.Tyr1952Ser). This variant is not present in population databases (gnomAD no frequency). This variant has not been reported in the literature in individuals affected with CACNA1F-related conditions. ClinVar contains an entry for this variant (Variation ID: 1464182). An algorithm developed to predict the effect of missense changes on protein structure and function (PolyPhen-2) suggests that this variant is likely to be tolerated. In summary, the available evidence is currently insufficient to determine the role of this variant in disease. Therefore, it has been classified as a Variant of Uncertain Significance.

NM_001256789.3(CACNA1F):c.5822A>C (p.Tyr1941Ser)

Gene: CACNA1F (calcium voltage-gated channel subunit alpha1 F; minus strand). Cytogenetic location: Xp11.23.
Variant type: single nucleotide variant.
Coding change: c.5822A>C on transcript NM_001256789.3 (MANE Select); coding-DNA position 5822, A replaced by C.
Protein change: p.Tyr1941Ser; replaces tyrosine 1941 with serine.
Molecular consequence: missense variant.
Genome position (GRCh38, 1-based): chrX:49,205,216, T>G on the plus strand (A>C on the coding strand, the complement: CACNA1F is on the minus strand). VCF-style: chrX-49205216-T-G. GRCh37 (hg19) VCF-style: chrX-49061676-T-G.
Other names: c.5660A>C, p.Tyr1887Ser (NM_001256790.3); c.5855A>C, p.Tyr1952Ser (NM_005183.4); short protein forms Y1887S, Y1941S, Y1952S.
Identifiers: ClinVar variation 1464182 (VCV001464182.8), dbSNP rs2147888089, ClinGen allele CA412956019.